The following is an entry in ClinVar:

NM_032638.5(GATA2):c.424C>G (p.Pro142Ala)

Gene: GATA2 (GATA binding protein 2; minus strand). Cytogenetic location: 3q21.3.
Variant type: single nucleotide variant.
Coding change: c.424C>G on transcript NM_032638.5 (MANE Select); coding-DNA position 424, C replaced by G.
Protein change: p.Pro142Ala; replaces proline 142 with alanine.
Molecular consequence: missense variant.
Genome position (GRCh38, 1-based): chr3:128,486,174, G>C on the plus strand (C>G on the coding strand, the complement: GATA2 is on the minus strand). VCF-style: chr3-128486174-G-C. GRCh37 (hg19) VCF-style: chr3-128205017-G-C.
Other names: c.424C>G, p.Pro142Ala (NM_001145661.2, NM_001145662.1); short protein forms P142A.
Identifiers: ClinVar variation 963086 (VCV000963086.9), dbSNP rs2068696200, ClinGen allele CA354406800.
Genomic context (GRCh38, chr3:128,486,174, plus strand): 5'-TAGGGGTGAGGGAGGCCACTGAGCTCCCGCTGCCTCCCCCGCTCCCACCCCCAGCCCCTG[G>C]GTACACAGAGAGTGGGCCTCCAGGGCCTCCAGCAGCTGAGGGGTGCAGTGGCGTCTTGGA-3'
Protein context (NP_116027.2, residues 132-152): GGPGGPLSVY[Pro142Ala]GAGGGSGGGS

ClinVar aggregate classification (germline): Uncertain significance (1 of 4 stars; one submission).

Conditions:
Monocytopenia with susceptibility to infections. Also called: MONOCYTOPENIA AND MYCOBACTERIAL INFECTION SYNDROME; MONOCYTOPENIA WITH SUSCEPTIBILITY TO MYCOBACTERIAL, FUNGAL, AND PAPILLOMAVIRUS INFECTIONS AND MYELODYSPLASIA; COMBINED IMMUNODEFICIENCY WITH SUSCEPTIBILITY TO MYCOBACTERIAL, VIRAL, AND FUNGAL INFECTIONS; Dendritic cell, monocyte, B lymphocyte, and natural killer lymphocyte deficiency; IMMUNODEFICIENCY 21; GATA2 DEFICIENCY. Identifiers: Orphanet 228423, MedGen C3280030, MONDO:0013607, OMIM 614172.
Deafness-lymphedema-leukemia syndrome. Also called: Lymphedema, primary, with myelodysplasia; Emberger syndrome. Identifiers: Orphanet 3226, MedGen C3279664, MONDO:0013540, OMIM 614038.

Submission:

Labcorp Genetics (formerly Invitae), Labcorp
Classification: Uncertain significance for Monocytopenia with susceptibility to infections; Deafness-lymphedema-leukemia syndrome. Last evaluated: 2019-10-30. Review status: criteria provided, single submitter. Criteria: Invitae Variant Classification Sherloc (09022015). Collection method: clinical testing. Allele origin: germline.
Comment: In summary, the available evidence is currently insufficient to determine the role of this variant in disease. Therefore, it has been classified as a Variant of Uncertain Significance. Algorithms developed to predict the effect of missense changes on protein structure and function are either unavailable or do not agree on the potential impact of this missense change (SIFT: "Tolerated"; PolyPhen-2: "Probably Damaging"; Align-GVGD: "Class C0"). This variant has not been reported in the literature in individuals with GATA2-related conditions. This variant is not present in population databases (ExAC no frequency). This sequence change replaces proline with alanine at codon 142 of the GATA2 protein (p.Pro142Ala). The proline residue is weakly conserved and there is a small physicochemical difference between proline and alanine.